The following is an entry in ClinVar:

ClinVar aggregate classification (germline): Uncertain significance. Review status: criteria provided, multiple submitters, no conflicts (2 of 4 stars). 2 submissions from 2 submitters: Uncertain significance (2). Last evaluated 2024-06-11.

Conditions:
Hereditary breast ovarian cancer syndrome. Also called: Hereditary breast and ovarian cancer syndrome (HBOC); Hereditary breast and ovarian cancer syndrome; Breast and ovarian cancer; Hereditary breast and/or ovarian cancer syndrome; Hereditary breast and ovarian cancer; BRCA1- and BRCA2-Associated Hereditary Breast and Ovarian Cancer. Identifiers: Orphanet 145, MedGen C0677776, MeSH D061325, MONDO:0003582. Disease mechanism: loss of function.
Hereditary cancer-predisposing syndrome. Also called: Neoplastic Syndromes, Hereditary; Hereditary Cancer Syndrome; Hereditary neoplastic syndrome; Tumor predisposition. Identifiers: Orphanet 140162, MedGen C0027672, MeSH D009386, MONDO:0015356.

gnomAD v4.1: 2 of 1,594,182 alleles (0.00013%); no homozygotes.

Submissions (2):

Ambry Genetics
Classification: Uncertain significance for Hereditary cancer-predisposing syndrome. Last evaluated: 2024-06-11. Review status: criteria provided, single submitter. Criteria: Ambry Variant Classification Scheme 2023. Collection method: clinical testing. Allele origin: germline.
Comment: The p.A227P variant (also known as c.679G>C), located in coding exon 7 of the BRCA2 gene, results from a G to C substitution at nucleotide position 679. The alanine at codon 227 is replaced by proline, an amino acid with highly similar properties. This amino acid position is poorly conserved in available vertebrate species. In addition, this alteration is predicted to be tolerated by in silico analysis. Since supporting evidence is limited at this time, the clinical significance of this alteration remains unclear.

Labcorp Genetics (formerly Invitae), Labcorp
Classification: Uncertain significance for Hereditary breast ovarian cancer syndrome. Last evaluated: 2023-06-23. Review status: criteria provided, single submitter. Criteria: Invitae Variant Classification Sherloc (09022015). Collection method: clinical testing. Allele origin: germline.
Comment: This variant is not present in population databases (gnomAD no frequency). This sequence change replaces alanine, which is neutral and non-polar, with proline, which is neutral and non-polar, at codon 227 of the BRCA2 protein (p.Ala227Pro). This variant has not been reported in the literature in individuals affected with BRCA2-related conditions. ClinVar contains an entry for this variant (Variation ID: 462413). An algorithm developed to predict the effect of missense changes on protein structure and function (PolyPhen-2) suggests that this variant is likely to be disruptive. In summary, the available evidence is currently insufficient to determine the role of this variant in disease. Therefore, it has been classified as a Variant of Uncertain Significance.

NM_000059.4(BRCA2):c.679G>C (p.Ala227Pro)

Gene: BRCA2 (BRCA2 DNA repair associated; plus strand). Cytogenetic location: 13q13.1.
Variant type: single nucleotide variant.
Coding change: c.679G>C on transcript NM_000059.4 (MANE Select); coding-DNA position 679, G replaced by C.
Protein change: p.Ala227Pro; replaces alanine 227 with proline.
Molecular consequence: missense variant.
Genome position (GRCh38, 1-based): chr13:32,329,490, G>C. VCF-style: chr13-32329490-G-C. GRCh37 (hg19) VCF-style: chr13-32903627-G-C.
Other names: short protein forms A227P.
Identifiers: ClinVar variation 462413 (VCV000462413.15), dbSNP rs398122563, ClinGen allele CA387759523.
Genomic context (GRCh38, chr13:32,329,490, plus strand): 5'-TTTTATCTTACAGTCAGAAATGAAGAAGCATCTGAAACTGTATTTCCTCATGATACTACT[G>C]CTGTAAGTAAATATGACATTGATTAGACTGTTGAAATTGCTAACAATTTTGGAATGCCTT-3'
Protein context (NP_000050.3, residues 217-237): SETVFPHDTT[Ala227Pro]NVKSYFSNHD